The following is an entry in ClinVar:

NM_015271.5(TRIM2):c.2164-1G>A

Gene: TRIM2 (tripartite motif containing 2; plus strand). Cytogenetic location: 4q31.3.
Variant type: single nucleotide variant.
Coding change: c.2164-1G>A on transcript NM_015271.5 (MANE Select); the canonical splice acceptor site of the intron before coding-DNA position 2164, G replaced by A.
Molecular consequence: splice acceptor variant.
Genome position (GRCh38, 1-based): chr4:153,334,813, G>A. VCF-style: chr4-153334813-G-A. GRCh37 (hg19) VCF-style: chr4-154255965-G-A.
Other names: c.2083-1G>A (NM_001375517.1, NM_001375514.1, NM_001375513.1 and 4 more transcripts); c.2095-1G>A (NM_001351056.2); c.1825-1G>A (NM_001375525.1, NM_001375523.1, NM_001375522.1); c.1708-1G>A (NM_001351057.2); c.2257-1G>A (NM_001375488.1); c.2107-1G>A (NM_001375490.1); c.1831-1G>A (NM_001375519.1); c.2254-1G>A (NM_001375489.1); and 4 more.
Identifiers: ClinVar variation 3678720 (VCV003678720.2).

ClinVar aggregate classification (germline): Uncertain significance (1 of 4 stars; one submission).

Conditions:
Charcot-Marie-Tooth disease type 2R. Also called: CHARCOT-MARIE-TOOTH DISEASE, AXONAL, AUTOSOMAL RECESSIVE, TYPE 2R; Charcot-Marie-Tooth disease, axonal, type 2R; CHARCOT-MARIE-TOOTH NEUROPATHY, TYPE 2R. Identifiers: Orphanet 397968, MedGen C3809655, MONDO:0014208, OMIM 615490.

Submission:

Labcorp Genetics (formerly Invitae), Labcorp
Classification: Uncertain significance for Charcot-Marie-Tooth disease type 2R. Last evaluated: 2024-09-04. Review status: criteria provided, single submitter. Criteria: Invitae Variant Classification Sherloc (09022015). Collection method: clinical testing. Allele origin: germline.
Comment: This sequence change falls in intron 11 of the TRIM2 gene. It does not directly change the encoded amino acid sequence of the TRIM2 protein. It affects a nucleotide within the consensus splice site. This variant is not present in population databases (gnomAD no frequency). This variant has not been reported in the literature in individuals affected with TRIM2-related conditions. Variants that disrupt the consensus splice site are a relatively common cause of aberrant splicing (PMID: 17576681, 9536098). Algorithms developed to predict the effect of sequence changes on RNA splicing suggest that this variant may disrupt the consensus splice site. In summary, the available evidence is currently insufficient to determine the role of this variant in disease. Therefore, it has been classified as a Variant of Uncertain Significance.

Literature cited by the submitters: PubMed 17576681; PubMed 9536098.